The following is an entry in ClinVar:

ClinVar aggregate classification (germline): Uncertain significance (1 of 4 stars; one submission).

Allele frequency attached by ClinVar (database versions not stated): gnomAD 0.00002; gnomAD exomes 0.00006; TOPMed 0.00009; ExAC 0.00022.
gnomAD v4.1: 90 of 1,589,622 alleles (0.0057%); highest among the groups gnomAD compares: Admixed American, 0.068%; no homozygotes.

Submission:

Labcorp Genetics (formerly Invitae), Labcorp
Classification: Uncertain significance. Last evaluated: 2024-01-16. Review status: criteria provided, single submitter. Criteria: Invitae Variant Classification Sherloc (09022015). Collection method: clinical testing. Allele origin: germline.
Comment: This sequence change replaces glutamic acid, which is acidic and polar, with lysine, which is basic and polar, at codon 216 of the TMPRSS15 protein (p.Glu216Lys). This variant is present in population databases (rs768742336, gnomAD 0.1%). This variant has not been reported in the literature in individuals affected with TMPRSS15-related conditions. An algorithm developed to predict the effect of missense changes on protein structure and function (PolyPhen-2) suggests that this variant is likely to be disruptive. In summary, the available evidence is currently insufficient to determine the role of this variant in disease. Therefore, it has been classified as a Variant of Uncertain Significance.

NM_002772.3(TMPRSS15):c.646G>A (p.Glu216Lys)

Gene: TMPRSS15 (transmembrane serine protease 15; minus strand). Cytogenetic location: 21q21.1.
Variant type: single nucleotide variant.
Coding change: c.646G>A on transcript NM_002772.3 (MANE Select); coding-DNA position 646, G replaced by A.
Protein change: p.Glu216Lys; replaces glutamic acid 216 with lysine.
Molecular consequence: missense variant.
Genome position (GRCh38, 1-based): chr21:18,372,211, C>T on the plus strand (G>A on the coding strand, the complement: TMPRSS15 is on the minus strand). VCF-style: chr21-18372211-C-T. GRCh37 (hg19) VCF-style: chr21-19744528-C-T.
Other names: short protein forms E216K.
Identifiers: ClinVar variation 2722795 (VCV002722795.1), dbSNP rs768742336, ClinGen allele CA9984711.